The following is an entry in ClinVar:

NM_015662.3(IFT172):c.3045C>A (p.Asp1015Glu)

Gene: IFT172 (intraflagellar transport 172; minus strand). Cytogenetic location: 2p23.3.
Variant type: single nucleotide variant.
Coding change: c.3045C>A on transcript NM_015662.3 (MANE Select); coding-DNA position 3045, C replaced by A.
Protein change: p.Asp1015Glu; replaces aspartic acid 1015 with glutamic acid.
Molecular consequence: missense variant.
Genome position (GRCh38, 1-based): chr2:27,457,907, G>T on the plus strand (C>A on the coding strand, the complement: IFT172 is on the minus strand). VCF-style: chr2-27457907-G-T. GRCh37 (hg19) VCF-style: chr2-27680774-G-T.
Other names: c.2979C>A, p.Asp993Glu (NM_001410739.1); short protein forms D1015E, D993E.
Identifiers: ClinVar variation 3355172 (VCV003355172.2).
Genomic context (GRCh38, chr2:27,457,907, plus strand): 5'-CAGATGTAGGTGTGTATCACTGAGGAGATCTGGATGGTGCTTCCCTACCAGGCGGATCAT[G>T]TCATCATACAACTTGTGCTTTTTGTACATGGTGATGGCAAGATCAGGCTCTTGTACTGTC-3'
Protein context (NP_056477.1, residues 1005-1025): TMYKKHKLYD[Asp1015Glu]MIRLVGKHHP

ClinVar aggregate classification (germline): Uncertain significance. Review status: criteria provided, single submitter (1 of 4 stars). 2 submissions from 2 submitters: Uncertain significance (1). 1 of the submissions does not count toward it. Last evaluated 2024-11-08.

Conditions:
IFT172-related disorder. Also called: IFT172-related condition; IFT172-related disorders.

gnomAD v4.1: 74 of 1,614,090 alleles (0.0046%); highest among the groups gnomAD compares: Non-Finnish European, 0.006%; no homozygotes.

Submissions (2):

Blueprint Genetics
Classification: Uncertain significance. Last evaluated: 2024-11-08. Review status: criteria provided, single submitter. Criteria: ACMG Guidelines, 2015. Collection method: clinical testing. Allele origin: germline.

PreventionGenetics, part of Exact Sciences
Classification: Uncertain significance for IFT172-related condition. Last evaluated: 2024-08-22. Review status: no assertion criteria provided. Collection method: clinical testing. Allele origin: germline. Not counted in ClinVar's aggregate classification.
Comment: The IFT172 c.3045C>A variant is predicted to result in the amino acid substitution p.Asp1015Glu. To our knowledge, this variant has not been reported in the literature. This variant is reported in 0.0035% of alleles in individuals of European (Non-Finnish) descent in gnomAD. At this time, the clinical significance of this variant is uncertain due to the absence of conclusive functional and genetic evidence.